The following is an entry in ClinVar:

ClinVar aggregate classification (germline): Likely pathogenic. Review status: criteria provided, single submitter (1 of 4 stars). 2 submissions from 2 submitters: Likely pathogenic (1). 1 of the submissions does not count toward it. Last evaluated 2025-07-16.

Conditions:
Oocyte maturation defect 2 (OZEMA2). Also called: OOCYTE/ZYGOTE/EMBRYO MATURATION ARREST 2. Identifiers: MedGen C4225210, MONDO:0021573, OMIM 616780.

Allele frequency attached by ClinVar (database versions not stated): gnomAD 0.00001; TOPMed 0.00002; gnomAD exomes 0.00004 and 0.00010; ExAC 0.00010; 1000 Genomes Project 30x 0.00016.
gnomAD v4.1: 63 of 1,612,292 alleles (0.0039%); highest among the groups gnomAD compares: Middle Eastern, 0.021%; no homozygotes.

Submissions (2):

First Genomix Gene Laboratory, Genetic Diagnostics Department
Classification: Likely pathogenic for Oocyte maturation defect 2. Last evaluated: 2025-07-16. Review status: criteria provided, single submitter. Criteria: ACMG Guidelines, 2015. Collection method: clinical testing. Allele origin: germline. Inheritance: Autosomal recessive inheritance. Affected: no. Observed: 1 variant allele.

Diagnostic Laboratory, Strasbourg University Hospital
Classification: Pathogenic for Oocyte maturation defect 2. Last evaluated: 2021-02-09. Review status: no assertion criteria provided. Collection method: clinical testing. Allele origin: inherited. Inheritance: Autosomal recessive inheritance. Affected: yes. Observed: 1 variant allele, 1 homozygote. Not counted in ClinVar's aggregate classification.

NM_177987.3(TUBB8):c.922G>A (p.Gly308Ser)

Gene: TUBB8 (tubulin beta 8 class VIII; minus strand). Cytogenetic location: 10p15.3.
Variant type: single nucleotide variant.
Coding change: c.922G>A on transcript NM_177987.3 (MANE Select); coding-DNA position 922, G replaced by A.
Protein change: p.Gly308Ser; replaces glycine 308 with serine.
Molecular consequence: missense variant.
Genome position (GRCh38, 1-based): chr10:47,470, C>T on the plus strand (G>A on the coding strand, the complement: TUBB8 is on the minus strand). VCF-style: chr10-47470-C-T. GRCh37 (hg19) VCF-style: chr10-93410-C-T.
Other names: short protein forms G308S.
Identifiers: ClinVar variation 996214 (VCV000996214.3), dbSNP rs782575307, ClinGen allele CA5378353.